The following is an entry in ClinVar:

NM_032776.3(JMJD1C):c.5225_5227del (p.Gly1742del)

Gene: JMJD1C (jumonji domain containing 1C; minus strand). Cytogenetic location: 10q21.3.
Variant type: Deletion.
Coding change: c.5225_5227del on transcript NM_032776.3 (MANE Select); coding-DNA positions 5225 to 5227, 3 bases deleted (GAG; older notation c.5225_5227delGAG).
Protein change: p.Gly1742del; deletes glycine 1742.
Molecular consequence: inframe deletion.
Genome position (GRCh38, 1-based): chr10:63,200,525-63,200,527, CTC deleted on the plus strand (GAG on the coding strand, the reverse complement: JMJD1C is on the minus strand); deleting any 3 consecutive bases within chr10:63,200,525-63,200,529 gives the same sequence; the c. name uses the placement nearest the transcript's 3' end. VCF-style (leftmost placement, unchanged base first): chr10-63200524-TCTC-T. GRCh37 (hg19) VCF-style: chr10-64960284-TCTC-T.
Other names: c.4679_4681del, p.Gly1560del (NM_001282948.2, NM_001318154.2); c.4361_4363del, p.Gly1454del (NM_001318153.2); c.5111_5113del, p.Gly1704del (NM_001322252.2); c.4568_4570del, p.Gly1523del (NM_001322254.2, NM_001322258.2); short protein forms G1454del, G1523del, G1560del, G1704del, G1742del.
Identifiers: ClinVar variation 1058033 (VCV001058033.9), dbSNP rs1243654890, ClinGen allele CA593905067.
Genomic context (GRCh38, chr10:63,200,524, plus strand): 5'-ATTTTCACTTACCGTCTAAAGTAGTAAAATCTACAAAATACTGGTGAGTGAGCTGGTTCT[TCTC>T]CTTTTTTACTGCGAATAAGTCTACATTCTCGACACTTTTGTAAATTAGGCCCTATCTCAC-3'

ClinVar aggregate classification (germline): Uncertain significance (1 of 4 stars; one submission).

Conditions:
Early Myoclonic Encephalopathy. Identifiers: MedGen C0270855.

Submission:

Labcorp Genetics (formerly Invitae), Labcorp
Classification: Uncertain significance for Early Myoclonic Encephalopathy. Last evaluated: 2022-03-19. Review status: criteria provided, single submitter. Criteria: Invitae Variant Classification Sherloc (09022015). Collection method: clinical testing. Allele origin: germline.
Comment: In summary, the available evidence is currently insufficient to determine the role of this variant in disease. Therefore, it has been classified as a Variant of Uncertain Significance. Experimental studies and prediction algorithms are not available or were not evaluated, and the functional significance of this variant is currently unknown. ClinVar contains an entry for this variant (Variation ID: 1058033). This variant has not been reported in the literature in individuals affected with JMJD1C-related conditions. This variant is present in population databases (no rsID available, gnomAD 0.0009%). This variant, c.5225_5227del, results in the deletion of 1 amino acid(s) of the JMJD1C protein (p.Gly1742del), but otherwise preserves the integrity of the reading frame.